The following is an entry in ClinVar:

NM_014003.4(DHX38):c.3656G>A (p.Arg1219His)

Gene: DHX38 (DEAH-box helicase 38; plus strand). Cytogenetic location: 16q22.2.
Variant type: single nucleotide variant.
Coding change: c.3656G>A on transcript NM_014003.4 (MANE Select); coding-DNA position 3656, G replaced by A.
Protein change: p.Arg1219His; replaces arginine 1219 with histidine.
Molecular consequence: missense variant.
Genome position (GRCh38, 1-based): chr16:72,112,469, G>A. VCF-style: chr16-72112469-G-A. GRCh37 (hg19) VCF-style: chr16-72146368-G-A.
Other names: short protein forms R1219H.
Identifiers: ClinVar variation 1346925 (VCV001346925.7), dbSNP rs577985660, ClinGen allele CA8161074.

ClinVar aggregate classification (germline): Uncertain significance (1 of 4 stars; one submission).

Allele frequency attached by ClinVar (database versions not stated): gnomAD 0.00001; gnomAD exomes 0.00001; ExAC 0.00002; TOPMed 0.00002.
gnomAD v4.1: 11 of 1,612,106 alleles (0.00068%); highest among the groups gnomAD compares: Admixed American, 0.0017%; no homozygotes.

Submission:

Labcorp Genetics (formerly Invitae), Labcorp
Classification: Uncertain significance. Last evaluated: 2022-11-08. Review status: criteria provided, single submitter. Criteria: Invitae Variant Classification Sherloc (09022015). Collection method: clinical testing. Allele origin: germline.
Comment: This variant is present in population databases (rs577985660, gnomAD 0.003%). This sequence change replaces arginine, which is basic and polar, with histidine, which is basic and polar, at codon 1219 of the DHX38 protein (p.Arg1219His). This variant has not been reported in the literature in individuals affected with DHX38-related conditions. ClinVar contains an entry for this variant (Variation ID: 1346925). Algorithms developed to predict the effect of missense changes on protein structure and function (SIFT, PolyPhen-2, Align-GVGD) all suggest that this variant is likely to be tolerated. In summary, the available evidence is currently insufficient to determine the role of this variant in disease. Therefore, it has been classified as a Variant of Uncertain Significance.